The following is an entry in ClinVar:

NM_000342.4(SLC4A1):c.1936C>T (p.Arg646Trp)

Gene: SLC4A1 (solute carrier family 4 member 1 (Diego blood group); minus strand). Cytogenetic location: 17q21.31.
Variant type: single nucleotide variant.
Coding change: c.1936C>T on transcript NM_000342.4 (MANE Select); coding-DNA position 1936, C replaced by T.
Protein change: p.Arg646Trp; replaces arginine 646 with tryptophan.
Molecular consequence: missense variant.
Genome position (GRCh38, 1-based): chr17:44,254,617, G>A on the plus strand (C>T on the coding strand, the complement: SLC4A1 is on the minus strand). VCF-style: chr17-44254617-G-A. GRCh37 (hg19) VCF-style: chr17-42331985-G-A.
Other names: short protein forms R646W.
Identifiers: ClinVar variation 17774 (VCV000017774.5), dbSNP rs121912758, ClinGen allele CA127400.

ClinVar aggregate classification (germline): Uncertain significance. Review status: criteria provided, single submitter (1 of 4 stars). 2 submissions from 2 submitters: Uncertain significance (1). 1 of the submissions does not count toward it. Last evaluated 2022-05-17.

Conditions:
SWANN BLOOD GROUP ANTIGEN.

Allele frequency attached by ClinVar (database versions not stated): ExAC 0.00001; gnomAD exomes 0.00001.
gnomAD v4.1: 17 of 1,614,020 alleles (0.0011%); highest among the groups gnomAD compares: East Asian, 0.0022%; no homozygotes.

Submissions (2):

Labcorp Genetics (formerly Invitae), Labcorp
Classification: Uncertain significance. Last evaluated: 2022-05-17. Review status: criteria provided, single submitter. Criteria: Invitae Variant Classification Sherloc (09022015). Collection method: clinical testing. Allele origin: germline.
Comment: In summary, the available evidence is currently insufficient to determine the role of this variant in disease. Therefore, it has been classified as a Variant of Uncertain Significance. Algorithms developed to predict the effect of missense changes on protein structure and function (SIFT, PolyPhen-2, Align-GVGD) all suggest that this variant is likely to be disruptive. ClinVar contains an entry for this variant (Variation ID: 17774). This variant has not been reported in the literature in individuals affected with SLC4A1-related conditions. This variant is present in population databases (rs121912758, gnomAD 0.006%). This sequence change replaces arginine, which is basic and polar, with tryptophan, which is neutral and slightly polar, at codon 646 of the SLC4A1 protein (p.Arg646Trp).

OMIM
Classification: Pathogenic for SWANN BLOOD GROUP ANTIGEN. Last evaluated: 2000-01-01. Review status: no assertion criteria provided. Collection method: literature only. Allele origin: germline. Not counted in ClinVar's aggregate classification.

Literature cited by the submitters: PubMed 11155072 (cited by OMIM).